The following is an entry in ClinVar:

ClinVar aggregate classification (germline): Likely benign (0 of 4 stars; one submission).

Conditions:
PROX1-related disorder. Also called: PROX1-related condition.

Allele frequency attached by ClinVar (database versions not stated): gnomAD exomes below 0.00001; TOPMed below 0.00001.
gnomAD v4.1: 5 of 1,614,030 alleles (0.00031%); highest among the groups gnomAD compares: Middle Eastern, 0.033%; no homozygotes.

Submission:

PreventionGenetics, part of Exact Sciences
Classification: Likely benign for PROX1-related condition. Last evaluated: 2019-09-18. Review status: no assertion criteria provided. Collection method: clinical testing. Allele origin: germline.
Comment: This variant is classified as likely benign based on ACMG/AMP sequence variant interpretation guidelines (Richards et al. 2015 PMID: 25741868, with internal and published modifications).

NM_001270616.2(PROX1):c.900C>T (p.Cys300=)

Gene: PROX1 (prospero homeobox 1; plus strand). Cytogenetic location: 1q32.3.
Variant type: single nucleotide variant.
Coding change: c.900C>T on transcript NM_001270616.2 (MANE Select); coding-DNA position 900, C replaced by T.
Protein change: p.Cys300=; no amino-acid change (cysteine 300 retained).
Molecular consequence: synonymous variant.
Genome position (GRCh38, 1-based): chr1:213,997,435, C>T. VCF-style: chr1-213997435-C-T. GRCh37 (hg19) VCF-style: chr1-214170778-C-T.
Other names: c.900C>T, p.Cys300= (NM_002763.5).
Identifiers: ClinVar variation 3039807 (VCV003039807.2), dbSNP rs1663313490, ClinGen allele CA423434293.